The following is an entry in ClinVar:

ClinVar aggregate classification (germline): Pathogenic (1 of 4 stars; one submission).

Conditions:
Spastic paraplegia. Identifiers: MedGen C0037772, HP:0001258.

Submission:

Labcorp Genetics (formerly Invitae), Labcorp
Classification: Pathogenic for Spastic paraplegia. Last evaluated: 2020-12-04. Review status: criteria provided, single submitter. Criteria: Invitae Variant Classification Sherloc (09022015). Collection method: clinical testing. Allele origin: germline.
Comment: For these reasons, this variant has been classified as Pathogenic. This variant has not been reported in the literature in individuals with ZFYVE26-related conditions. This variant is not present in population databases (ExAC no frequency). This sequence change creates a premature translational stop signal (p.Trp1462Glyfs*7) in the ZFYVE26 gene. It is expected to result in an absent or disrupted protein product. Loss-of-function variants in ZFYVE26 are known to be pathogenic (PMID: 18394578, 19805727).

Literature cited by the submitters: PubMed 18394578; PubMed 19805727.

NM_015346.4(ZFYVE26):c.4384del (p.Trp1462fs)

Gene: ZFYVE26 (zinc finger FYVE-type containing 26; minus strand). Cytogenetic location: 14q24.1.
Variant type: Deletion.
Coding change: c.4384del on transcript NM_015346.4 (MANE Select); coding-DNA position 4384, one base deleted (T; older notation c.4384delT).
Protein change: p.Trp1462fs; shifts the reading frame from tryptophan 1462.
Molecular consequence: frameshift variant.
Genome position (GRCh38, 1-based): chr14:67,781,518, A deleted on the plus strand (T on the coding strand, the reverse complement: ZFYVE26 is on the minus strand); the first of 2 consecutive A bases (chr14:67,781,518-67,781,519); deleting either gives the same sequence. VCF-style (leftmost placement, unchanged base first): chr14-67781517-CA-C. GRCh37 (hg19) VCF-style: chr14-68248234-CA-C.
Other names: short protein forms W1462fs.
Identifiers: ClinVar variation 1452147 (VCV001452147.6), dbSNP rs2140220785, ClinGen allele CA2573150115.